The following is an entry in ClinVar:

ClinVar aggregate classification (germline): Pathogenic (1 of 4 stars; one submission).

Conditions:
Cohen syndrome (COH1). Also called: Cutis verticis gyrata, retinitis pigmentosa, and sensorineural deafness; PEPPER SYNDROME. Identifiers: Orphanet 193, MedGen C0265223, MONDO:0008999, OMIM 216550.

Submission:

Labcorp Genetics (formerly Invitae), Labcorp
Classification: Pathogenic for Cohen syndrome. Last evaluated: 2022-11-16. Review status: criteria provided, single submitter. Criteria: Invitae Variant Classification Sherloc (09022015). Collection method: clinical testing. Allele origin: unknown.
Comment: For these reasons, this variant has been classified as Pathogenic. This variant has not been reported in the literature in individuals affected with VPS13B-related conditions. This variant is a gross deletion of the genomic region encompassing exon(s) 16-19 of the VPS13B gene. This deletion is out-of-frame, and is expected to create a premature termination codon and result in an absent or disrupted protein product. Loss-of-function variants in VPS13B are known to be pathogenic (PMID: 15141358, 16648375, 20461111).

Literature cited by the submitters: PubMed 15141358; PubMed 16648375; PubMed 20461111.

NC_000008.10:g.(?_100182257)_(100287492_?)del

Gene: VPS13B (vacuolar protein sorting 13 homolog B; plus strand). Cytogenetic location: 8q22.2.
Variant type: Deletion.
Identifiers: ClinVar variation 3245434 (VCV003245434.1).